The following is an entry in ClinVar:

NM_001563.4(IMPG1):c.1824+2del

Gene: IMPG1 (interphotoreceptor matrix proteoglycan 1; minus strand). Cytogenetic location: 6q14.1.
Variant type: Deletion.
Coding change: c.1824+2del on transcript NM_001563.4 (MANE Select); the canonical splice donor site of the intron after coding-DNA position 1824, one base deleted (T; older notation c.1824+2delT).
Molecular consequence: splice donor variant.
Genome position (GRCh38, 1-based): chr6:75,950,560, A deleted on the plus strand (T on the coding strand, the reverse complement: IMPG1 is on the minus strand). VCF-style (leftmost placement, unchanged base first): chr6-75950559-CA-C. GRCh37 (hg19) VCF-style: chr6-76660276-CA-C.
Other names: c.1590+2del (NM_001282368.2).
Identifiers: ClinVar variation 4714388 (VCV004714388.1).
Genomic context (GRCh38, chr6:75,950,559, plus strand): 5'-TATAAAATAACAACAAAGAAAGAAGAGACAAAGAATTGGGAATTGTGAGCAGTGCCCACT[CA>C]CCAGCTGTGTGAATTGTTGCTCCAGAGCTCGGTACTCCAGAGAGCTCTTGTTGAACAGGT-3'

ClinVar aggregate classification (germline): Likely pathogenic (1 of 4 stars; one submission).

Submission:

Labcorp Genetics (formerly Invitae), Labcorp
Classification: Likely pathogenic. Last evaluated: 2025-03-10. Review status: criteria provided, single submitter. Criteria: Invitae Variant Classification Sherloc (09022015). Collection method: clinical testing. Allele origin: germline.
Comment: This sequence change affects a splice site in intron 13 of the IMPG1 gene. It is expected to disrupt RNA splicing. Variants that disrupt the donor or acceptor splice site typically lead to a loss of protein function (PMID: 16199547), and loss-of-function variants in IMPG1 are known to be pathogenic (PMID: 23993198). This variant is not present in population databases (gnomAD no frequency). This variant has not been reported in the literature in individuals affected with IMPG1-related conditions. Algorithms developed to predict the effect of sequence changes on RNA splicing suggest that this variant may disrupt the consensus splice site. In summary, the currently available evidence indicates that the variant is pathogenic, but additional data are needed to prove that conclusively. Therefore, this variant has been classified as Likely Pathogenic.

Literature cited by the submitters: PubMed 16199547; PubMed 23993198.